The following is an entry in ClinVar:

NM_004586.3(RPS6KA3):c.325+2dup

Gene: RPS6KA3 (ribosomal protein S6 kinase A3; minus strand). Cytogenetic location: Xp22.12.
Variant type: Duplication.
Coding change: c.325+2dup on transcript NM_004586.3 (MANE Select); the canonical splice donor site of the intron after coding-DNA position 325, one base duplicated (T; older notation c.325+2dupT).
Molecular consequence: splice donor variant.
Genome position (GRCh38, 1-based): chrX:20,204,020, A duplicated on the plus strand (T on the coding strand, the reverse complement: RPS6KA3 is on the minus strand). VCF-style (leftmost placement, unchanged base first): chrX-20204019-T-TA. GRCh37 (hg19) VCF-style: chrX-20222137-T-TA.
Identifiers: ClinVar variation 3774958 (VCV003774958.1).
Genomic context (GRCh38, chrX:20,204,019, plus strand): 5'-CTCTATTGAGACCTTTCAGTTTGTTTAGACTACATGAACATTACAAATAGCAGCAACACT[T>TA]ACCTTTCAGTGTGGCCTTCTTCAATACCTTCATGGCATAAAGCTGCCTAGCATCAGAGCC-3'

ClinVar aggregate classification (germline): Pathogenic (1 of 4 stars; one submission).

Submission:

GeneDx
Classification: Pathogenic. Last evaluated: 2024-09-25. Review status: criteria provided, single submitter. Criteria: GeneDx Variant Classification Process June 2021. Collection method: clinical testing. Allele origin: germline. Affected: yes.
Comment: Reported in the literature (as IVS4+3 insT) in a patient with features of RPS6KA3-related Coffin-Lowry spectrum disorder, and functional studies demonstrate that this variant resulted in absent protein expression (PMID:11992250); Not observed at significant frequency in large population cohorts (gnomAD); This variant is associated with the following publications: (PMID: 11992250)